The following is an entry in ClinVar:

NM_000334.4(SCN4A):c.1606+254C>G

Gene: SCN4A (sodium voltage-gated channel alpha subunit 4; minus strand). Cytogenetic location: 17q23.3.
Variant type: single nucleotide variant.
Coding change: c.1606+254C>G on transcript NM_000334.4 (MANE Select); 254 bases into the intron after coding-DNA position 1606, C replaced by G.
Molecular consequence: intron variant.
Genome position (GRCh38, 1-based): chr17:63,963,418, G>C on the plus strand (C>G on the coding strand, the complement: SCN4A is on the minus strand). VCF-style: chr17-63963418-G-C. GRCh37 (hg19) VCF-style: chr17-62040778-G-C.
Identifiers: ClinVar variation 673688 (VCV000673688.1), dbSNP rs146000148, ClinGen allele CA292970773.
Genomic context (GRCh38, chr17:63,963,418, plus strand): 5'-GCCCTCCCGGAAGCCCCCAGTTCCCATAGCAGCCTGGCCTTGCAGCTAGAACTGGGCCAG[G>C]TTAAGACAGGACTATATTTGTGACAGCCAGAAATGGCTGTGATAAATATAGTATAAATAT-3'

ClinVar aggregate classification (germline): Likely benign (1 of 4 stars; one submission).

Allele frequency attached by ClinVar (database versions not stated): TOPMed 0.00722; 1000 Genomes Project 0.00779; 1000 Genomes Project 30x 0.00812.
gnomAD v4.1: 899 of 152,282 alleles (0.59%); highest among the groups gnomAD compares: African/African-American, 2.1%; 14 homozygotes.

Submission:

GeneDx
Classification: Likely benign. Last evaluated: 2018-06-16. Review status: criteria provided, single submitter. Criteria: GeneDx Variant Classification (06012015). Collection method: clinical testing. Allele origin: germline. Affected: yes.
Comment: This variant is considered likely benign or benign based on one or more of the following criteria: it is a conservative change, it occurs at a poorly conserved position in the protein, it is predicted to be benign by multiple in silico algorithms, and/or has population frequency not consistent with disease.